The following is an entry in ClinVar:

ClinVar aggregate classification (germline): Uncertain significance (1 of 4 stars; one submission).

Conditions:
Inborn genetic diseases. Identifiers: MedGen C0950123, MeSH D030342.

Submission:

Ambry Genetics
Classification: Uncertain significance for Inborn genetic diseases. Last evaluated: 2024-10-11. Review status: criteria provided, single submitter. Criteria: Ambry Variant Classification Scheme 2023. Collection method: clinical testing. Allele origin: germline.
Comment: The p.L337R variant (also known as c.1010T>G), located in coding exon 4 of the ATR gene, results from a T to G substitution at nucleotide position 1010. The leucine at codon 337 is replaced by arginine, an amino acid with dissimilar properties. This amino acid position is conserved. In addition, this alteration is predicted to be deleterious by in silico analysis. Based on the available evidence, the clinical significance of this variant remains unclear.

NM_001184.4(ATR):c.1010T>G (p.Leu337Arg)

Gene: ATR (ATR serine/threonine kinase; minus strand). Cytogenetic location: 3q23.
Variant type: single nucleotide variant.
Coding change: c.1010T>G on transcript NM_001184.4 (MANE Select); coding-DNA position 1010, T replaced by G.
Protein change: p.Leu337Arg; replaces leucine 337 with arginine.
Molecular consequence: missense variant.
Genome position (GRCh38, 1-based): chr3:142,562,392, A>C on the plus strand (T>G on the coding strand, the complement: ATR is on the minus strand). VCF-style: chr3-142562392-A-C. GRCh37 (hg19) VCF-style: chr3-142281234-A-C.
Other names: c.1010T>G, p.Leu337Arg (NM_001354579.2); short protein forms L337R.
Identifiers: ClinVar variation 3462991 (VCV003462991.1).